The following is an entry in ClinVar:

ClinVar aggregate classification (germline): Likely benign (1 of 4 stars; one submission).

Allele frequency attached by ClinVar (database versions not stated): gnomAD exomes 0.00014; 1000 Genomes Project 0.00220; gnomAD 0.00283 and 0.00318.

Submission:

GeneDx
Classification: Likely benign. Last evaluated: 2021-06-23. Review status: criteria provided, single submitter. Criteria: GeneDx Variant Classification Process June 2021. Collection method: clinical testing. Allele origin: germline. Affected: yes.
Comment: See Variant Classification Assertion Criteria.

NM_020435.4(GJC2):c.-19-39_-19-23del

Gene: GJC2 (gap junction protein gamma 2; plus strand). Cytogenetic location: 1q42.13.
Variant type: Deletion.
Coding change: c.-19-39_-19-23del on transcript NM_020435.4 (MANE Select); 39 bases into the intron before 19 bases upstream of the start codon through 23 bases into the intron before 19 bases upstream of the start codon, 17 bases deleted (AAGTGCAGGCCCCTGGC).
Molecular consequence: intron variant.
Genome position (GRCh38, 1-based): chr1:228,157,701-228,157,717, AAGTGCAGGCCCCTGGC deleted. VCF-style (leftmost placement, unchanged base first): chr1-228157700-TAAGTGCAGGCCCCTGGC-T. GRCh37 (hg19) VCF-style: chr1-228345401-TAAGTGCAGGCCCCTGGC-T.
Identifiers: ClinVar variation 1684100 (VCV001684100.2), dbSNP rs577811454, ClinGen allele CA38727070.